The following is an entry in ClinVar:

ClinVar aggregate classification (germline): Uncertain significance (1 of 4 stars; one submission).

Conditions:
Amyotrophic lateral sclerosis-parkinsonism-dementia complex. Also called: GUAM DISEASE; AMYOTROPHIC LATERAL SCLEROSIS-PARKINSONISM/DEMENTIA COMPLEX 1. Identifiers: Orphanet 90020, MedGen C0543859, MONDO:0007104, OMIM 105500.

gnomAD v4.1: 17 of 1,605,022 alleles (0.0011%); highest among the groups gnomAD compares: South Asian, 0.0034%; no homozygotes.

Submission:

Neuberg Centre For Genomic Medicine, NCGM
Classification: Uncertain significance for Amyotrophic lateral sclerosis-parkinsonism-dementia complex. Last evaluated: 2023-06-22. Review status: criteria provided, single submitter. Criteria: ACMG Guidelines, 2015. Collection method: clinical testing. Allele origin: germline. Inheritance: Autosomal dominant inheritance. Affected: yes.
Comment: The missense variant c.2704C>T (p.Arg902Cys) in TRPM7 gene has been previously reported in individual(s) affected with TRPM7 gene related disorders (Stritt et. al., 2016). The p.Arg902Cys variant is present with allele frequency of 0.001% in gnomAD exomes database. This variant has not been submitted to the ClinVar database. Multiple lines of computational evidence (Polyphen - probably damaging, SIFT - damaging and MutationTaster - disease causing) predict a damaging effect on protein structure and function for this variant. The reference amino acid at this position on TRPM7 gene is predicted as conserved by GERP++ and PhyloP across 100 vertebrates. The amino acid Arg at position 902 is changed to a Cys changing protein sequence and it might alter its composition and physico-chemical properties. For these reasons, this variant has been classified as Uncertain Significance (VUS).

NM_017672.6(TRPM7):c.2704C>T (p.Arg902Cys)

Gene: TRPM7 (transient receptor potential cation channel subfamily M member 7; minus strand). Cytogenetic location: 15q21.2.
Variant type: single nucleotide variant.
Coding change: c.2704C>T on transcript NM_017672.6 (MANE Select); coding-DNA position 2704, C replaced by T.
Protein change: p.Arg902Cys; replaces arginine 902 with cysteine.
Molecular consequence: missense variant. On other transcripts: non-coding transcript variant (3).
Genome position (GRCh38, 1-based): chr15:50,607,205, G>A on the plus strand (C>T on the coding strand, the complement: TRPM7 is on the minus strand). VCF-style: chr15-50607205-G-A. GRCh37 (hg19) VCF-style: chr15-50899402-G-A.
Other names: c.2704C>T, p.Arg902Cys (NM_001301212.2); short protein forms R902C.
Identifiers: ClinVar variation 3731469 (VCV003731469.1).